The following is an entry in ClinVar:

NC_000009.11:g.(?_139333040)_(139333871_?)dup

Gene: INPP5E (inositol polyphosphate-5-phosphatase E; minus strand). Cytogenetic location: 9q34.3.
Variant type: Duplication.
Identifiers: ClinVar variation 3245127 (VCV003245127.1).

ClinVar aggregate classification (germline): Uncertain significance (1 of 4 stars; one submission).

Conditions:
Joubert syndrome. Also called: CEREBELLOPARENCHYMAL DISORDER IV; JOUBERT-BOLTSHAUSER SYNDROME; Familial aplasia of the vermis. Identifiers: Orphanet 475, MedGen C5979921, MONDO:0018772.

Submission:

Labcorp Genetics (formerly Invitae), Labcorp
Classification: Uncertain significance for Joubert syndrome. Last evaluated: 2023-07-08. Review status: criteria provided, single submitter. Criteria: Invitae Variant Classification Sherloc (09022015). Collection method: clinical testing. Allele origin: unknown.
Comment: This variant has not been reported in the literature in individuals affected with INPP5E-related conditions. This variant results in a copy number gain of the genomic region encompassing exon(s) 1 of the INPP5E gene. This region includes the initiator codon of the gene. This copy number gain extends beyond the assayed region for this gene and therefore may encompass additional genes. As the precise location of this event is unknown, it may be in tandem or it may be located elsewhere in the genome. Experimental studies and prediction algorithms are not available or were not evaluated, and the functional significance of this variant is currently unknown. In summary, the available evidence is currently insufficient to determine the role of this variant in disease. Therefore, it has been classified as a Variant of Uncertain Significance.